The following is an entry in ClinVar:

ClinVar aggregate classification (germline): Uncertain significance (1 of 4 stars; one submission).

Conditions:
Cone-rod dystrophy 2 (CORD2). Also called: CONE-ROD RETINAL DYSTROPHY; Cone-rod retinal dystrophy 2. Identifiers: Orphanet 1872, MedGen C3489532, MONDO:0007362, OMIM 120970.
Leber congenital amaurosis 7 (LCA7). Identifiers: Orphanet 65, MedGen C3151192, MONDO:0013449, OMIM 613829.

Submission:

Labcorp Genetics (formerly Invitae), Labcorp
Classification: Uncertain significance for Cone-rod dystrophy 2; Leber congenital amaurosis 7. Last evaluated: 2022-11-16. Review status: criteria provided, single submitter. Criteria: Invitae Variant Classification Sherloc (09022015). Collection method: clinical testing. Allele origin: unknown.
Comment: A similar copy number variant has been observed in individual(s) with autosomal recessive Leber congenital amaurosis (LCA) (PMID: 24265693). It has also been observed to segregate with disease in related individuals. This variant is a gross deletion of the genomic region encompassing exon(s) 4 of the CRX gene, which includes the termination codon. This deletion extends beyond the assayed region for this gene and therefore may encompass additional genes. While this deletion is not anticipated to lead to nonsense mediated decay, it is expected to alter mRNA translation or result in a truncated protein product. In summary, the available evidence is currently insufficient to determine the role of this variant in disease. Therefore, it has been classified as a Variant of Uncertain Significance.

Literature cited by the submitters: PubMed 24265693.

NC_000019.9:g.(?_48342557)_(48343224_?)del

Gene: CRX (cone-rod homeobox; plus strand). Cytogenetic location: 19q13.33.
Variant type: Deletion.
Identifiers: ClinVar variation 3248511 (VCV003248511.1).